The following is an entry in ClinVar:

ClinVar aggregate classification (germline): Uncertain significance (1 of 4 stars; one submission).

Submission:

GeneDx
Classification: Uncertain significance. Last evaluated: 2024-04-18. Review status: criteria provided, single submitter. Criteria: GeneDx Variant Classification Process June 2021. Collection method: clinical testing. Allele origin: germline. Affected: yes.
Comment: Not observed at significant frequency in large population cohorts (gnomAD); Frameshift variant predicted to result in protein truncation in a gene for which loss of function is not an established mechanism of disease; Has not been previously published as pathogenic or benign to our knowledge; This variant is associated with the following publications: (PMID: 28545555)

NM_152703.5(SAMD9L):c.2915del (p.Ile972fs)

Gene: SAMD9L (sterile alpha motif domain containing 9 like; minus strand). Cytogenetic location: 7q21.2.
Variant type: Deletion.
Coding change: c.2915del on transcript NM_152703.5 (MANE Select); coding-DNA position 2915, one base deleted (T; older notation c.2915delT).
Protein change: p.Ile972fs; shifts the reading frame from isoleucine 972.
Molecular consequence: frameshift variant.
Genome position (GRCh38, 1-based): chr7:93,133,057, A deleted on the plus strand (T on the coding strand, the reverse complement: SAMD9L is on the minus strand). VCF-style (leftmost placement, unchanged base first): chr7-93133056-TA-T. GRCh37 (hg19) VCF-style: chr7-92762369-TA-T.
Other names: c.2915del, p.Ile972fs (NM_001303496.3, NM_001303497.3, NM_001303498.3 and 5 more transcripts); short protein forms I972fs.
Identifiers: ClinVar variation 3372632 (VCV003372632.1).